The following is an entry in ClinVar:

NM_004369.4(COL6A3):c.610del (p.Thr204fs)

Gene: COL6A3 (collagen type VI alpha 3 chain; minus strand). Cytogenetic location: 2q37.3.
Variant type: Deletion.
Coding change: c.610del on transcript NM_004369.4 (MANE Select); coding-DNA position 610, one base deleted (A; older notation c.610delA).
Protein change: p.Thr204fs; shifts the reading frame from threonine 204.
Molecular consequence: frameshift variant. On other transcripts: intron variant (4).
Genome position (GRCh38, 1-based): chr2:237,394,686, T deleted on the plus strand (A on the coding strand, the reverse complement: COL6A3 is on the minus strand). VCF-style (leftmost placement, unchanged base first): chr2-237394685-GT-G. GRCh37 (hg19) VCF-style: chr2-238303328-GT-G.
Other names: c.91+2041del (NM_057166.5, NM_057167.4, NM_057164.5 and 1 more transcripts); short protein forms T204fs.
Identifiers: ClinVar variation 5006256 (VCV005006256.2).

ClinVar aggregate classification (germline): Likely pathogenic (1 of 4 stars; one submission).

Conditions:
Dystonia 27 (DYT27). Identifiers: Orphanet 464440, MedGen C4225336, MONDO:0014627, OMIM 616411.
Bethlem myopathy 1A. Also called: Bethlem myopathy 1; MYOPATHY, BENIGN CONGENITAL, WITH CONTRACTURES; Bethlem Muscular Dystrophy. Identifiers: Orphanet 610, MedGen CN029274, MONDO:0024530, OMIM 158810.
Ullrich congenital muscular dystrophy 1A. Also called: Ullrich congenital muscular dystrophy 1; Intermediate COL6-RD. Identifiers: Orphanet 75840, MedGen C0410179, MONDO:0009681, OMIM 254090.

Submission:

Juno Genomics, Hangzhou Juno Genomics, Inc
Classification: Likely pathogenic for Bethlem myopathy 1A; Dystonia 27; Ullrich congenital muscular dystrophy 1A. Review status: criteria provided, single submitter. Criteria: ACMG Guidelines, 2015. Collection method: clinical testing. Allele origin: germline.
Comment: Null variant in a gene where loss of function (LOF) is a known mechanism of disease.;Absent from controls (or at extremely low frequency if recessive) in Genome Aggregation Database.